The following is an entry in ClinVar:

NM_017841.4(SDHAF2):c.66G>T (p.Leu22Phe)

Gene: SDHAF2 (succinate dehydrogenase complex assembly factor 2; plus strand). Cytogenetic location: 11q12.2.
Variant type: single nucleotide variant.
Coding change: c.66G>T on transcript NM_017841.4 (MANE Select); coding-DNA position 66, G replaced by T.
Protein change: p.Leu22Phe; replaces leucine 22 with phenylalanine.
Molecular consequence: missense variant.
Genome position (GRCh38, 1-based): chr11:61,437,654, G>T. VCF-style: chr11-61437654-G-T. GRCh37 (hg19) VCF-style: chr11-61205126-G-T.
Other names: short protein forms L22F.
Identifiers: ClinVar variation 2497020 (VCV002497020.6), dbSNP rs766468929, ClinGen allele CA059536.

ClinVar aggregate classification (germline): Uncertain significance. Review status: criteria provided, multiple submitters, no conflicts (2 of 4 stars). 2 submissions from 2 submitters: Uncertain significance (2). Last evaluated 2026-06-24.

Conditions:
Hereditary pheochromocytoma and paraganglioma. Also called: Hereditary Paraganglioma-Pheochromocytoma Syndromes; Hereditary pheochromocytoma-paraganglioma; Hereditary paragangliomas and pheochromocytomas. Identifiers: Orphanet 29072, MedGen C4274332, MONDO:0017366.
Hereditary cancer-predisposing syndrome. Also called: Hereditary Cancer Syndrome; Hereditary neoplastic syndrome; Neoplastic Syndromes, Hereditary; Tumor predisposition. Identifiers: Orphanet 140162, MedGen C0027672, MeSH D009386, MONDO:0015356.

Allele frequency attached by ClinVar (database versions not stated): ExAC 0.00001.
gnomAD v4.1: 4 of 1,614,170 alleles (0.00025%); highest among the groups gnomAD compares: African/African-American, 0.0013%; no homozygotes.

Submissions (2):

Ambry Genetics
Classification: Uncertain significance for Hereditary cancer-predisposing syndrome. Last evaluated: 2026-06-24. Review status: criteria provided, single submitter. Criteria: Ambry Variant Classification Scheme 2023. Collection method: clinical testing. Allele origin: germline.
Comment: The c.66G>T variant (also known as p.L22F), located in coding exon 2 of the SDHAF2 gene, results from a G to T substitution at nucleotide position 66. The leucine at codon 22 is replaced by phenylalanine, an amino acid with highly similar properties. This nucleotide position is not well conserved in available vertebrate species. In addition, this alteration is predicted to be tolerated by in silico analysis; however, direct evidence is insufficient at this time (Ambry internal data). Based on the available evidence, the clinical significance of this variant remains unclear.

Labcorp Genetics (formerly Invitae), Labcorp
Classification: Uncertain significance for Hereditary pheochromocytoma and paraganglioma. Last evaluated: 2025-10-10. Review status: criteria provided, single submitter. Criteria: Invitae Variant Classification Sherloc (09022015). Collection method: clinical testing. Allele origin: germline.
Comment: This sequence change replaces leucine, which is neutral and non-polar, with phenylalanine, which is neutral and non-polar, at codon 22 of the SDHAF2 protein (p.Leu22Phe). This variant is present in population databases (rs766468929, gnomAD 0.0009%). This variant has not been reported in the literature in individuals affected with SDHAF2-related conditions. ClinVar contains an entry for this variant (Variation ID: 2497020). An algorithm developed to predict the effect of missense changes on protein structure and function (PolyPhen-2) suggests that this variant is likely to be tolerated. In summary, the available evidence is currently insufficient to determine the role of this variant in disease. Therefore, it has been classified as a Variant of Uncertain Significance.